The following is an entry in ClinVar:

ClinVar aggregate classification (germline): Uncertain significance (1 of 4 stars; one submission).

Submission:

Labcorp Genetics (formerly Invitae), Labcorp
Classification: Uncertain significance. Last evaluated: 2023-09-21. Review status: criteria provided, single submitter. Criteria: Invitae Variant Classification Sherloc (09022015). Collection method: clinical testing. Allele origin: germline.
Comment: This sequence change replaces serine, which is neutral and polar, with glycine, which is neutral and non-polar, at codon 538 of the ERBIN protein (p.Ser538Gly). This variant is not present in population databases (gnomAD no frequency). This variant has not been reported in the literature in individuals affected with ERBIN-related conditions. An algorithm developed to predict the effect of missense changes on protein structure and function (PolyPhen-2) suggests that this variant is likely to be tolerated. In summary, the available evidence is currently insufficient to determine the role of this variant in disease. Therefore, it has been classified as a Variant of Uncertain Significance.

NM_001253697.2(ERBIN):c.1612A>G (p.Ser538Gly)

Gene: ERBIN (erbb2 interacting protein; plus strand). Cytogenetic location: 5q12.3.
Variant type: single nucleotide variant.
Coding change: c.1612A>G on transcript NM_001253697.2 (MANE Select); coding-DNA position 1612, A replaced by G.
Protein change: p.Ser538Gly; replaces serine 538 with glycine.
Molecular consequence: missense variant.
Genome position (GRCh38, 1-based): chr5:66,046,362, A>G. VCF-style: chr5-66046362-A-G. GRCh37 (hg19) VCF-style: chr5-65342190-A-G.
Other names: c.1612A>G, p.Ser538Gly (NM_001006600.3, NM_001253698.2, NM_001253699.2 and 1 more transcripts); c.1600A>G, p.Ser534Gly (NM_001253701.2); short protein forms S534G, S538G.
Identifiers: ClinVar variation 2755199 (VCV002755199.3), dbSNP rs2546786232, ClinGen allele CA359862204.
Genomic context (GRCh38, chr5:66,046,362, plus strand): 5'-ATAGATATAAAACTTAAAGAATATGAGCTCTTTATCTTTTCTTTTACTTAGACCTCAGAA[A>G]GTACTACTACAGTAAAAAGCAAAGTTGATGAAAGAGAAAAATATATGATAGGAAACTCTG-3'
Protein context (NP_001240626.1, residues 528-548): NKDVGVKTSE[Ser538Gly]TTTVKSKVDE